The following is an entry in ClinVar:

ClinVar aggregate classification (germline): Uncertain significance (1 of 4 stars; one submission).

Conditions:
Ritscher-Schinzel syndrome 2. Identifiers: Orphanet 7, MedGen C4225419, MONDO:0010499, OMIM 300963.

Allele frequency attached by ClinVar (database versions not stated): ExAC 0.00001; gnomAD 0.00001; gnomAD exomes 0.00001; TOPMed 0.00002.
gnomAD v4.1: 10 of 1,210,543 alleles (0.00083%); highest among the groups gnomAD compares: Middle Eastern, 0.023%; no homozygotes.

Submission:

Baylor Genetics
Classification: Uncertain significance for Ritscher-Schinzel syndrome 2. Last evaluated: 2019-06-17. Review status: criteria provided, single submitter. Criteria: ACMG Guidelines, 2015. Collection method: clinical testing. Allele origin: unknown. Affected: yes.
Comment: This variant was determined to be of uncertain significance according to ACMG Guidelines, 2015 [PMID:25741868].

NM_014008.5(CCDC22):c.110C>T (p.Ala37Val)

Gene: CCDC22 (CCC complex scaffolding subunit CCDC22; plus strand). Cytogenetic location: Xp11.23.
Variant type: single nucleotide variant.
Coding change: c.110C>T on transcript NM_014008.5 (MANE Select); coding-DNA position 110, C replaced by T.
Protein change: p.Ala37Val; replaces alanine 37 with valine.
Molecular consequence: missense variant.
Genome position (GRCh38, 1-based): chrX:49,237,145, C>T. VCF-style: chrX-49237145-C-T. GRCh37 (hg19) VCF-style: chrX-49093612-C-T.
Other names: short protein forms A37V.
Identifiers: ClinVar variation 1031225 (VCV001031225.1), dbSNP rs782333361, ClinGen allele CA10411181.